The following is an entry in ClinVar:

ClinVar aggregate classification (germline): Pathogenic/Likely pathogenic. Review status: criteria provided, multiple submitters, no conflicts (2 of 4 stars). 5 submissions from 5 submitters: Pathogenic (1); Likely pathogenic (3). 1 of the submissions does not count toward it. Last evaluated 2025-08-19.

Conditions:
Infantile-onset ascending hereditary spastic paralysis (IAHSP). Also called: Autosomal Recessive Juvenile Amyotrophic Lateral Sclerosis; Infantile-Onset Ascending Hereditary Spastic Paralysis (IAHSP). Identifiers: Orphanet 293168, MedGen C2931441, MONDO:0011797, OMIM 607225. Disease mechanism: loss of function.
Amyotrophic lateral sclerosis type 2, juvenile. Also called: ALS, JUVENILE; Amyotrophic lateral sclerosis type 2. Identifiers: Orphanet 300605, MedGen C1859807, MONDO:0008780, OMIM 205100.
Juvenile primary lateral sclerosis (PLSJ). Also called: Juvenile Primary Lateral Sclerosis (JPLS). Identifiers: Orphanet 247604, MedGen C1853396, MONDO:0011663, OMIM 606353.
Tip-toe gait. Also called: Toe walking. Identifiers: MedGen C0427144, HP:0030051.

Allele frequency attached by ClinVar (database versions not stated): gnomAD exomes below 0.00001 and 0.00001; gnomAD 0.00001; TOPMed below 0.00001.
gnomAD v4.1: 5 of 1,614,020 alleles (0.00031%); highest among the groups gnomAD compares: Non-Finnish European, 0.00042%; no homozygotes.

Submissions (5):

Mayo Clinic Laboratories, Mayo Clinic
Classification: Likely pathogenic. Last evaluated: 2025-08-19. Review status: criteria provided, single submitter. Criteria: ACMG Guidelines, 2015. Collection method: clinical testing. Allele origin: germline. Observed: 1 variant allele.
Comment: PM2_supporting, PVS1

Labcorp Genetics (formerly Invitae), Labcorp
Classification: Pathogenic for Infantile-onset ascending hereditary spastic paralysis. Last evaluated: 2022-10-11. Review status: criteria provided, single submitter. Criteria: Invitae Variant Classification Sherloc (09022015). Collection method: clinical testing. Allele origin: germline.
Comment: For these reasons, this variant has been classified as Pathogenic. ClinVar contains an entry for this variant (Variation ID: 425255). This variant has not been reported in the literature in individuals affected with ALS2-related conditions. This variant is present in population databases (no rsID available, gnomAD 0.0009%). This sequence change creates a premature translational stop signal (p.Trp1053*) in the ALS2 gene. It is expected to result in an absent or disrupted protein product. Loss-of-function variants in ALS2 are known to be pathogenic (PMID: 11586298, 24315819).

CeGaT Center for Human Genetics Tuebingen
Classification: Likely pathogenic. Last evaluated: 2016-12-31. Review status: criteria provided, single submitter. Criteria: Praxis fuer Humangenetik Tuebingen - Variant Classification Criteria. Collection method: clinical testing. Allele origin: germline. Affected: yes. Observed: 1 variant allele.

Institute of Human Genetics, Clinical Exome/Genome Diagnostics Group, University Hospital Bonn
Classification: Likely pathogenic for Infantile-onset ascending hereditary spastic paralysis; Juvenile primary lateral sclerosis; Amyotrophic lateral sclerosis type 2, juvenile. Review status: criteria provided, single submitter. Criteria: ACMG Guidelines, 2015. Collection method: clinical testing. Allele origin: germline. Affected: yes.

Practice for Gait Abnormalities, David Pomarino, Competency Network Toe Walking C/o Practice Pomarino
Classification: Likely pathogenic for Tip-toe gait. Last evaluated: 2023-01-10. Review status: no assertion criteria provided. Collection method: clinical testing. Allele origin: germline. Affected: yes. Not counted in ClinVar's aggregate classification.
Comment: Gait disorder

Literature cited by the submitters: PubMed 11586298 (cited by Labcorp Genetics (formerly Invitae), Labcorp); PubMed 24315819 (cited by Labcorp Genetics (formerly Invitae), Labcorp); PubMed 37091313 (cited by Practice for Gait Abnormalities, David Pomarino, Competency Network Toe Walking C/o Practice Pomarino).

NM_020919.4(ALS2):c.3158G>A (p.Trp1053Ter)

Gene: ALS2 (alsin Rho guanine nucleotide exchange factor ALS2; minus strand). Cytogenetic location: 2q33.1.
Variant type: single nucleotide variant.
Coding change: c.3158G>A on transcript NM_020919.4 (MANE Select); coding-DNA position 3158, G replaced by A.
Protein change: p.Trp1053Ter; replaces tryptophan 1053 with a stop codon.
Molecular consequence: nonsense.
Genome position (GRCh38, 1-based): chr2:201,726,688, C>T on the plus strand (G>A on the coding strand, the complement: ALS2 is on the minus strand). VCF-style: chr2-201726688-C-T. GRCh37 (hg19) VCF-style: chr2-202591411-C-T.
Other names: p.Trp1053*; c.3158G>A (NM_020919.3); short protein forms W1053*.
Identifiers: ClinVar variation 425255 (VCV000425255.10), dbSNP rs1064797281, ClinGen allele CA16621787.